The following is an entry in ClinVar:

ClinVar aggregate classification (germline): Uncertain significance. Review status: criteria provided, multiple submitters, no conflicts (2 of 4 stars). 2 submissions from 2 submitters: Uncertain significance (2). Last evaluated 2025-04-24.

Allele frequency attached by ClinVar (database versions not stated): gnomAD exomes 0.00001; TOPMed 0.00001; ESP Exome Variant Server 0.00008.
gnomAD v4.1: 17 of 1,614,006 alleles (0.0011%); highest among the groups gnomAD compares: Non-Finnish European, 0.0014%; no homozygotes.

Submissions (2):

Labcorp Genetics (formerly Invitae), Labcorp
Classification: Uncertain significance. Last evaluated: 2025-04-24. Review status: criteria provided, single submitter. Criteria: Invitae Variant Classification Sherloc (09022015). Collection method: clinical testing. Allele origin: germline.
Comment: This sequence change replaces glycine, which is neutral and non-polar, with arginine, which is basic and polar, at codon 1135 of the CACNA1D protein (p.Gly1135Arg). This variant is not present in population databases (gnomAD no frequency). This variant has not been reported in the literature in individuals affected with CACNA1D-related conditions. ClinVar contains an entry for this variant (Variation ID: 1940071). Invitae Evidence Modeling of protein sequence and biophysical properties (such as structural, functional, and spatial information, amino acid conservation, physicochemical variation, residue mobility, and thermodynamic stability) indicates that this missense variant is not expected to disrupt CACNA1D protein function with a negative predictive value of 80%. In summary, the available evidence is currently insufficient to determine the role of this variant in disease. Therefore, it has been classified as a Variant of Uncertain Significance.

Women's Health and Genetics/Laboratory Corporation of America, LabCorp
Classification: Uncertain significance. Last evaluated: 2024-11-08. Review status: criteria provided, single submitter. Criteria: LabCorp Variant Classification Summary - May 2015. Collection method: clinical testing. Allele origin: germline.
Comment: Variant summary: CACNA1D c.3403G>A (p.Gly1135Arg) results in a non-conservative amino acid change located in the Ion transport domain (IPR005821) of the encoded protein sequence. Three of five in-silico tools predict a damaging effect of the variant on protein function. The variant allele was found at a frequency of 1.1e-05 in 1607032 control chromosomes in the gnomAD database (v4.1 dataset). This frequency is not significantly higher than estimated for a pathogenic variant in CACNA1D causing Sinoatrial Node Dysfunction And Deafness, allowing no conclusion about variant significance. To our knowledge, no occurrence of c.3403G>A in individuals affected with Sinoatrial Node Dysfunction And Deafness and no experimental evidence demonstrating its impact on protein function have been reported. ClinVar contains an entry for this variant (Variation ID: 1940071). Based on the evidence outlined above, the variant was classified as uncertain significance.

NM_001128840.3(CACNA1D):c.3343G>A (p.Gly1115Arg)

Genes: CACNA1D (calcium voltage-gated channel subunit alpha1 D; plus strand), LOC129936904 (ATAC-STARR-seq lymphoblastoid active region 19969; plus strand). Cytogenetic location: 3p21.1.
Variant type: single nucleotide variant.
Coding change: c.3343G>A on transcript NM_001128840.3 (MANE Select); coding-DNA position 3343, G replaced by A.
Protein change: p.Gly1115Arg; replaces glycine 1115 with arginine.
Molecular consequence: missense variant.
Genome position (GRCh38, 1-based): chr3:53,749,296, G>A. VCF-style: chr3-53749296-G-A. GRCh37 (hg19) VCF-style: chr3-53783323-G-A.
Other names: c.3403G>A, p.Gly1135Arg (NM_000720.4); c.3343G>A, p.Gly1115Arg (NM_001128839.3); short protein forms G1115R, G1135R.
Identifiers: ClinVar variation 1940071 (VCV001940071.5), dbSNP rs139840431, ClinGen allele CA74871811.